The following is an entry in ClinVar:

ClinVar aggregate classification (germline): Likely pathogenic (1 of 4 stars; one submission).

Conditions:
Microphthalmia. Also called: Microphthalmos. Identifiers: MedGen C0026010, MONDO:0021129, HP:0000568.

Allele frequency attached by ClinVar (database versions not stated): TOPMed below 0.00001; ExAC 0.00002.
gnomAD v4.1: 19 of 1,613,870 alleles (0.0012%); highest among the groups gnomAD compares: Non-Finnish European, 0.0014%; no homozygotes.

Submission:

Genetics Department, University Hospital of Toulouse
Classification: Likely pathogenic for Microphthalmia. Last evaluated: 2022-10-15. Review status: criteria provided, single submitter. Criteria: ACMG Guidelines, 2015. Collection method: clinical testing. Allele origin: germline. Affected: yes.
Comment: LP (PVS1, PM2).

NM_022369.4(STRA6):c.1699C>T (p.Arg567Ter)

Gene: STRA6 (signaling receptor and transporter of retinol STRA6; minus strand). Cytogenetic location: 15q24.1.
Variant type: single nucleotide variant.
Coding change: c.1699C>T on transcript NM_022369.4 (MANE Select); coding-DNA position 1699, C replaced by T.
Protein change: p.Arg567Ter; replaces arginine 567 with a stop codon.
Molecular consequence: nonsense.
Genome position (GRCh38, 1-based): chr15:74,180,923, G>A on the plus strand (C>T on the coding strand, the complement: STRA6 is on the minus strand). VCF-style: chr15-74180923-G-A. GRCh37 (hg19) VCF-style: chr15-74473264-G-A.
Other names: c.1699C>T, p.Arg567Ter (NM_001142617.2, NM_001142618.2); c.1672C>T, p.Arg558Ter (NM_001142619.2); c.1810C>T, p.Arg604Ter (NM_001199040.2); c.1744C>T, p.Arg582Ter (NM_001199041.2); c.1816C>T, p.Arg606Ter (NM_001199042.2); short protein forms R558*, R567*, R582*, R604*, R606*.
Identifiers: ClinVar variation 1710342 (VCV001710342.1), dbSNP rs750864641, ClinGen allele CA7654457.